The following is an entry in ClinVar:

ClinVar aggregate classification (germline): Pathogenic (1 of 4 stars; one submission).

Conditions:
Ectodermal dysplasia. Also called: Ectodermal dysplasia syndrome. Identifiers: Orphanet 79373, MedGen C0013575, MONDO:0019287, HP:0000968.

Allele frequency attached by ClinVar (database versions not stated): ExAC 0.00003; gnomAD exomes 0.00004; ESP Exome Variant Server 0.00016; gnomAD 0.00019; TOPMed 0.00021 and 0.00028.

Submission:

Genetics Laboratory, Great Ormond Street Hospital NHS Foundation Trust, North Thames Genomic Laboratory Hub
Classification: Pathogenic for Ectodermal dysplasia. Last evaluated: 2025-07-30. Review status: criteria provided, single submitter. Criteria: ACGS Best Practice Guidelines for Variant Classification in Rare Disease 2024 v1.2. Collection method: clinical testing. Allele origin: germline. Affected: yes.
Comment: PM2_moderate, PVS1_very-strong

NM_177986.5(DSG4):c.1168_1172dup (p.Phe392fs)

Genes: DSG1-AS1 (DSG1 antisense RNA 1; minus strand), DSG4 (desmoglein 4; plus strand). Cytogenetic location: 18q12.1.
Variant type: Duplication.
Coding change: c.1168_1172dup on transcript NM_177986.5 (MANE Select); coding-DNA positions 1168 to 1172, 5 bases duplicated (ATGGC; older notation c.1168_1172dupATGGC).
Protein change: p.Phe392fs; shifts the reading frame from phenylalanine 392.
Molecular consequence: frameshift variant.
Genome position (GRCh38, 1-based): chr18:31,399,434-31,399,438, ATGGC duplicated. VCF-style (leftmost placement, unchanged base first): chr18-31399433-T-TATGGC. GRCh37 (hg19) VCF-style: chr18-28979396-T-TATGGC.
Other names: c.1168_1172dup, p.Phe392fs (NM_001134453.3); short protein forms F392fs.
Identifiers: ClinVar variation 4087738 (VCV004087738.1), dbSNP rs771756810.